The following is an entry in ClinVar:

ClinVar aggregate classification (germline): Uncertain significance (1 of 4 stars; one submission).

gnomAD v4.1: 1 of 1,613,644 alleles (0.000062%); highest among the groups gnomAD compares: Non-Finnish European, 0.000085%; no homozygotes.

Submission:

GeneDx
Classification: Uncertain significance. Last evaluated: 2024-04-23. Review status: criteria provided, single submitter. Criteria: GeneDx Variant Classification Process June 2021. Collection method: clinical testing. Allele origin: germline. Affected: yes.
Comment: Not observed at significant frequency in large population cohorts (gnomAD); In silico analysis supports that this missense variant has a deleterious effect on protein structure/function; Has not been previously published as pathogenic or benign to our knowledge; This variant is associated with the following publications: (PMID: 18199528)

NM_000038.6(APC):c.92C>T (p.Ser31Phe)

Gene: APC (APC regulator of WNT signaling pathway; plus strand). Cytogenetic location: 5q22.2.
Variant type: single nucleotide variant.
Coding change: c.92C>T on transcript NM_000038.6 (MANE Select); coding-DNA position 92, C replaced by T.
Protein change: p.Ser31Phe; replaces serine 31 with phenylalanine.
Molecular consequence: missense variant. On other transcripts: 5 prime UTR variant (4), non-coding transcript variant (2), intron variant (11).
Genome position (GRCh38, 1-based): chr5:112,754,982, C>T. VCF-style: chr5-112754982-C-T. GRCh37 (hg19) VCF-style: chr5-112090679-C-T.
Other names: c.92C>T, p.Ser31Phe (NM_001127510.3, NM_001354895.2, NM_001354896.2 and 16 more transcripts); c.-944C>T (NM_001354906.2, NM_001407470.1, NM_001407471.1 and 1 more transcripts); c.166-11344C>T (NM_001407446.1, NM_001354897.2, NM_001354902.2 and 1 more transcripts); c.-42-11344C>T (NM_001407453.1, NM_001354900.2, NM_001354901.2 and 1 more transcripts); c.61-11344C>T (NM_001407451.1, NM_001354898.2, NM_001354904.2); short protein forms S31F.
Identifiers: ClinVar variation 3372986 (VCV003372986.1).
Genomic context (GRCh38, chr5:112,754,982, plus strand): 5'-AGCAAGTTGAGGCACTGAAGATGGAGAACTCAAATCTTCGACAAGAGCTAGAAGATAATT[C>T]CAATCATCTTACAAAACTGGAAACTGAGGCATCTAATATGAAGGTATCAAGACTGTGACT-3'
Protein context (NP_000029.2, residues 21-41): SNLRQELEDN[Ser31Phe]NHLTKLETEA